The following is an entry in ClinVar:

NM_001040151.2(SCN3B):c.591dup (p.Tyr198fs)

Gene: SCN3B (sodium voltage-gated channel beta subunit 3; minus strand). Cytogenetic location: 11q24.1.
Variant type: Duplication.
Coding change: c.591dup on transcript NM_001040151.2 (MANE Select); coding-DNA position 591, one base duplicated (C; older notation c.591dupC).
Protein change: p.Tyr198fs; shifts the reading frame from tyrosine 198.
Molecular consequence: frameshift variant.
Genome position (GRCh38, 1-based): chr11:123,634,200, G duplicated on the plus strand (C on the coding strand, the reverse complement: SCN3B is on the minus strand). VCF-style (leftmost placement, unchanged base first): chr11-123634199-A-AG. GRCh37 (hg19) VCF-style: chr11-123504907-A-AG.
Other names: c.591dup, p.Tyr198fs (NM_018400.4); c.591dupC (NM_018400.3); short protein forms Y198fs.
Identifiers: ClinVar variation 519417 (VCV000519417.5), dbSNP rs1555114543, ClinGen allele CA658797823.

ClinVar aggregate classification (germline): Uncertain significance (1 of 4 stars; one submission).

Conditions:
Cardiovascular phenotype. Identifiers: MedGen CN230736.

Submission:

Ambry Genetics
Classification: Uncertain significance for Cardiovascular phenotype. Last evaluated: 2017-03-20. Review status: criteria provided, single submitter. Criteria: Ambry Variant Classification Scheme 2023. Collection method: clinical testing. Allele origin: germline.
Comment: The c.591dupC variant, located in coding exon 5 of the SCN3B gene, results from a duplication of one nucleotide at position 591, causing a translational frameshift with a predicted alternate stop codon (p.Y198Lfs*7). Frameshifts are typically deleterious in nature, however, this frameshift occurs at the 3' terminus of SCN3B, is not expected to trigger nonsense-mediated mRNA decay, and impacts only the last 18 amino acids of the protein. The exact functional impact of these altered amino acids is unknown at this time. Additionally, loss of function of SCN3B has not been clearly established as a mechanism of disease. Since supporting evidence is limited at this time, the clinical significance of this alteration remains unclear.